The following is an entry in ClinVar:

ClinVar aggregate classification (germline): Uncertain significance (1 of 4 stars; one submission).

Conditions:
Familial cancer of breast. Also called: Hereditary breast cancer; hereditary breast carcinoma; BREAST CANCER, FAMILIAL. Identifiers: Orphanet 227535, MedGen C0346153, MONDO:0016419, OMIM 114480. Disease mechanism: loss of function.

Submission:

Labcorp Genetics (formerly Invitae), Labcorp
Classification: Uncertain significance for Familial cancer of breast. Last evaluated: 2025-09-07. Review status: criteria provided, single submitter. Criteria: Invitae Variant Classification Sherloc (09022015). Collection method: clinical testing. Allele origin: germline.
Comment: This sequence change replaces arginine, which is basic and polar, with glycine, which is neutral and non-polar, at codon 565 of the BARD1 protein (p.Arg565Gly). This variant is not present in population databases (gnomAD no frequency). This variant has not been reported in the literature in individuals affected with BARD1-related conditions. An algorithm developed to predict the effect of missense changes on protein structure and function (PolyPhen-2) suggests that this variant is likely to be tolerated. In summary, the available evidence is currently insufficient to determine the role of this variant in disease. Therefore, it has been classified as a Variant of Uncertain Significance.

NM_000465.4(BARD1):c.1693C>G (p.Arg565Gly)

Gene: BARD1 (BRCA1 associated RING domain 1; minus strand). Cytogenetic location: 2q35.
Variant type: single nucleotide variant.
Coding change: c.1693C>G on transcript NM_000465.4 (MANE Select); coding-DNA position 1693, C replaced by G.
Protein change: p.Arg565Gly; replaces arginine 565 with glycine.
Molecular consequence: missense variant. On other transcripts: non-coding transcript variant (3), intron variant (1).
Genome position (GRCh38, 1-based): chr2:214,745,839, G>C on the plus strand (C>G on the coding strand, the complement: BARD1 is on the minus strand). VCF-style: chr2-214745839-G-C. GRCh37 (hg19) VCF-style: chr2-215610563-G-C.
Other names: c.1636C>G, p.Arg546Gly (NM_001282543.2); c.340C>G, p.Arg114Gly (NM_001282545.2); c.283C>G, p.Arg95Gly (NM_001282548.2); c.365-15331C>G (NM_001282549.2); short protein forms R95G, R114G, R546G, R565G.
Identifiers: ClinVar variation 4726760 (VCV004726760.1).
Genomic context (GRCh38, chr2:214,745,839, plus strand): 5'-GCATTTTCTGTTGTTCTGAAGACAGCCCACTGCCTATAAGTACAAGAGGTCCATCCCTAC[G>C]CTGCCCAGTGTTCATCTGTTAATATAAAAGGAGATACCAGTGTTAAAAACATTAGACGAC-3'
Protein context (NP_000456.2, residues 555-575): SHCSVMNTGQ[Arg565Gly]RDGPLVLIGS